The following is an entry in ClinVar:

ClinVar aggregate classification (germline): Uncertain significance. Review status: criteria provided, multiple submitters, no conflicts (2 of 4 stars). 2 submissions from 2 submitters: Uncertain significance (2). Last evaluated 2024-08-28.

Conditions:
Long QT syndrome (LQTS). Identifiers: MedGen C0023976, MeSH D008133, MONDO:0002442. Disease mechanism: loss of function. Inheritance: Various modes of inheritance.
Cardiovascular phenotype. Identifiers: MedGen CN230736.

Allele frequency attached by ClinVar (database versions not stated): gnomAD exomes below 0.00001; TOPMed below 0.00001; gnomAD 0.00001.
gnomAD v4.1: 8 of 1,614,054 alleles (0.0005%); highest among the groups gnomAD compares: African/African-American, 0.0093%; no homozygotes.

Submissions (2):

Ambry Genetics
Classification: Uncertain significance for Cardiovascular phenotype. Last evaluated: 2024-08-28. Review status: criteria provided, single submitter. Criteria: Ambry Variant Classification Scheme 2023. Collection method: clinical testing. Allele origin: germline.

Labcorp Genetics (formerly Invitae), Labcorp
Classification: Uncertain significance for Long QT syndrome. Last evaluated: 2022-01-26. Review status: criteria provided, single submitter. Criteria: Invitae Variant Classification Sherloc (09022015). Collection method: clinical testing. Allele origin: germline.
Comment: This sequence change replaces aspartic acid, which is acidic and polar, with glycine, which is neutral and non-polar, at codon 2185 of the ANK2 protein (p.Asp2185Gly). This variant is present in population databases (no rsID available, gnomAD 0.007%). This variant has not been reported in the literature in individuals affected with ANK2-related conditions. Algorithms developed to predict the effect of missense changes on protein structure and function output the following: SIFT: "Tolerated"; PolyPhen-2: "Benign"; Align-GVGD: "Class C0". The glycine amino acid residue is found in multiple mammalian species, which suggests that this missense change does not adversely affect protein function. Algorithms developed to predict the effect of sequence changes on RNA splicing suggest that this variant may create or strengthen a splice site. In summary, the available evidence is currently insufficient to determine the role of this variant in disease. Therefore, it has been classified as a Variant of Uncertain Significance.

NM_001148.6(ANK2):c.6554A>G (p.Asp2185Gly)

Gene: ANK2 (ankyrin 2; plus strand). Cytogenetic location: 4q26.
Variant type: single nucleotide variant.
Coding change: c.6554A>G on transcript NM_001148.6 (MANE Select); coding-DNA position 6554, A replaced by G.
Protein change: p.Asp2185Gly; replaces aspartic acid 2185 with glycine.
Molecular consequence: missense variant. On other transcripts: intron variant (68).
Genome position (GRCh38, 1-based): chr4:113,355,172, A>G. VCF-style: chr4-113355172-A-G. GRCh37 (hg19) VCF-style: chr4-114276328-A-G.
Other names: c.6320A>G, p.Asp2107Gly (NM_001386142.1); c.2954A>G, p.Asp985Gly (NM_001386166.1); c.6695A>G, p.Asp2232Gly (NM_001386174.1); c.6671A>G, p.Asp2224Gly (NM_001386175.1); c.4411+4923A>G (NM_001386186.2, NM_001386148.2); c.4213+4923A>G (NM_001354269.3); c.4291+4923A>G (NM_001386187.2); c.4252+4923A>G (NM_001386147.1); and 35 more; short protein forms D2185G, D2224G, D2232G, D2107G, D985G.
Identifiers: ClinVar variation 1920593 (VCV001920593.7), dbSNP rs1283759975, ClinGen allele CA357924321.
Genomic context (GRCh38, chr4:113,355,172, plus strand): 5'-ACTTAGACCAAGTACTCACTAGTCCTTTCAACACAACATTTCCACTCGACTACATGAAAG[A>G]TGAGTTCCTTCCAGCTCTGTCTTTACAAAGCGGTGCTTTAGATGGCAGTTCTGAAAGCCT-3'
Protein context (NP_001139.3, residues 2175-2195): NTTFPLDYMK[Asp2185Gly]EFLPALSLQS